The following is an entry in ClinVar:

NM_000428.3(LTBP2):c.2326G>A (p.Val776Ile)

Gene: LTBP2 (latent transforming growth factor beta binding protein 2; minus strand). Cytogenetic location: 14q24.3.
Variant type: single nucleotide variant.
Coding change: c.2326G>A on transcript NM_000428.3 (MANE Select); coding-DNA position 2326, G replaced by A.
Protein change: p.Val776Ile; replaces valine 776 with isoleucine.
Molecular consequence: missense variant.
Genome position (GRCh38, 1-based): chr14:74,528,525, C>T on the plus strand (G>A on the coding strand, the complement: LTBP2 is on the minus strand). VCF-style: chr14-74528525-C-T. GRCh37 (hg19) VCF-style: chr14-74995228-C-T.
Other names: short protein forms V776I.
Identifiers: ClinVar variation 887999 (VCV000887999.7), dbSNP rs145507464, ClinGen allele CA7269575.
Genomic context (GRCh38, chr14:74,528,525, plus strand): 5'-CTCCCCCAGCTCAGATACCCTTGTCAGGGATGGTCCCGGCCTCAAGCCAGGTGTCCGTGA[C>T]GACCCGGAGGGGCTGCCTCTCTGCTGGCCCGGGCAGTGCCCCGCTGCTCCTCTGCCCTTG-3'
Protein context (NP_000419.1, residues 766-786): GPAERQPLRV[Val776Ile]TDTWLEAGTI

ClinVar aggregate classification (germline): Conflicting classifications of pathogenicity. Review status: criteria provided, conflicting classifications (1 of 4 stars). 4 submissions from 3 submitters: Uncertain significance (3); Likely benign (1). Last evaluated 2022-08-31.

Conditions:
Inborn genetic diseases. Identifiers: MedGen C0950123, MeSH D030342.
Weill-Marchesani syndrome. Also called: WM Syndrome; Mesodermal dysmorphodystrophy congenital. Identifiers: Orphanet 3449, MedGen C0265313, MONDO:0018096.
Glaucoma 3, primary congenital, D. Identifiers: Orphanet 98976, MedGen C2751316, MONDO:0013122, OMIM 613086.

Allele frequency attached by ClinVar (database versions not stated): 1000 Genomes Project 30x 0.00016; 1000 Genomes Project 0.00020; ExAC 0.00037; gnomAD exomes 0.00046; gnomAD 0.00050 and 0.00051; TOPMed 0.00054; ESP Exome Variant Server 0.00108.

Submissions (4):

Labcorp Genetics (formerly Invitae), Labcorp
Classification: Uncertain significance. Last evaluated: 2022-08-31. Review status: criteria provided, single submitter. Criteria: Invitae Variant Classification Sherloc (09022015). Collection method: clinical testing. Allele origin: germline.
Comment: This sequence change replaces valine, which is neutral and non-polar, with isoleucine, which is neutral and non-polar, at codon 776 of the LTBP2 protein (p.Val776Ile). This variant is present in population databases (rs145507464, gnomAD 0.09%), and has an allele count higher than expected for a pathogenic variant. This variant has not been reported in the literature in individuals affected with LTBP2-related conditions. ClinVar contains an entry for this variant (Variation ID: 887999). Algorithms developed to predict the effect of missense changes on protein structure and function output the following: SIFT: "Tolerated"; PolyPhen-2: "Benign"; Align-GVGD: "Class C0". The isoleucine amino acid residue is found in multiple mammalian species, which suggests that this missense change does not adversely affect protein function. In summary, the available evidence is currently insufficient to determine the role of this variant in disease. Therefore, it has been classified as a Variant of Uncertain Significance.

Ambry Genetics
Classification: Likely benign for Inborn genetic diseases. Last evaluated: 2022-04-08. Review status: criteria provided, single submitter. Criteria: Ambry Variant Classification Scheme 2023. Collection method: clinical testing. Allele origin: germline.

Illumina Laboratory Services, Illumina
Classification: Uncertain significance for Weill-Marchesani syndrome. Last evaluated: 2018-01-12. Review status: criteria provided, single submitter. Criteria: ICSL Variant Classification Criteria 13 December 2019. Collection method: clinical testing. Allele origin: germline.

Illumina Laboratory Services, Illumina
Classification: Uncertain significance for Glaucoma 3, primary congenital, D. Last evaluated: 2018-01-12. Review status: criteria provided, single submitter. Criteria: ICSL Variant Classification Criteria 13 December 2019. Collection method: clinical testing. Allele origin: germline.